The following is an entry in ClinVar:

ClinVar aggregate classification (germline): Pathogenic. Review status: criteria provided, multiple submitters, no conflicts (2 of 4 stars). 3 submissions from 3 submitters: Pathogenic (3). Last evaluated 2026-04-01.

Conditions:
Hereditary cancer-predisposing syndrome. Also called: Tumor predisposition; Hereditary neoplastic syndrome; Neoplastic Syndromes, Hereditary; Hereditary Cancer Syndrome. Identifiers: Orphanet 140162, MedGen C0027672, MeSH D009386, MONDO:0015356.
Familial cancer of breast. Also called: hereditary breast carcinoma; Hereditary breast cancer; BREAST CANCER, FAMILIAL. Identifiers: Orphanet 227535, MedGen C0346153, MONDO:0016419, OMIM 114480. Disease mechanism: loss of function.

Submissions (3):

Ambry Genetics
Classification: Pathogenic for Hereditary cancer-predisposing syndrome. Last evaluated: 2026-04-01. Review status: criteria provided, single submitter. Criteria: Ambry Variant Classification Scheme 2023. Collection method: clinical testing. Allele origin: germline.
Comment: The c.899delC pathogenic mutation, located in coding exon 4 of the PALB2 gene, results from a deletion of one nucleotide at nucleotide position 899, causing a translational frameshift with a predicted alternate stop codon (p.T300Kfs*6). This variant is considered to be rare based on population cohorts in the Genome Aggregation Database (gnomAD). This variant is expected to result in loss of function by premature protein truncation or nonsense-mediated mRNA decay. As such, this variant is interpreted as a disease-causing mutation.

Labcorp Genetics (formerly Invitae), Labcorp
Classification: Pathogenic for Familial cancer of breast. Last evaluated: 2024-03-02. Review status: criteria provided, single submitter. Criteria: Invitae Variant Classification Sherloc (09022015). Collection method: clinical testing. Allele origin: germline.
Comment: This sequence change creates a premature translational stop signal (p.Thr300Lysfs*6) in the PALB2 gene. It is expected to result in an absent or disrupted protein product. Loss-of-function variants in PALB2 are known to be pathogenic (PMID: 17200668, 17200671, 17200672, 24136930, 25099575). This variant is not present in population databases (gnomAD no frequency). This variant has not been reported in the literature in individuals affected with PALB2-related conditions. ClinVar contains an entry for this variant (Variation ID: 530040). For these reasons, this variant has been classified as Pathogenic.

Myriad Genetics, Inc.
Classification: Pathogenic for Familial cancer of breast. Last evaluated: 2023-09-07. Review status: criteria provided, single submitter. Criteria: Myriad Autosomal Dominant, Autosomal Recessive and X-Linked Classification Criteria (2023). Collection method: clinical testing. Allele origin: unknown.
Comment: This variant is considered pathogenic. This variant creates a frameshift predicted to result in premature protein truncation.

Literature cited by the submitters: PubMed 17200668 (cited by Labcorp Genetics (formerly Invitae), Labcorp); PubMed 17200671 (cited by Labcorp Genetics (formerly Invitae), Labcorp); PubMed 17200672 (cited by Labcorp Genetics (formerly Invitae), Labcorp); PubMed 24136930 (cited by Labcorp Genetics (formerly Invitae), Labcorp); PubMed 25099575 (cited by Labcorp Genetics (formerly Invitae), Labcorp).

NM_024675.4(PALB2):c.899del (p.Thr300fs)

Gene: PALB2 (partner and localizer of BRCA2; minus strand). Cytogenetic location: 16p12.2.
Variant type: Deletion.
Coding change: c.899del on transcript NM_024675.4 (MANE Select); coding-DNA position 899, one base deleted (C; older notation c.899delC).
Protein change: p.Thr300fs; shifts the reading frame from threonine 300.
Molecular consequence: frameshift variant.
Genome position (GRCh38, 1-based): chr16:23,635,647, G deleted on the plus strand (C on the coding strand, the reverse complement: PALB2 is on the minus strand). VCF-style (leftmost placement, unchanged base first): chr16-23635646-TG-T. GRCh37 (hg19) VCF-style: chr16-23646967-TG-T.
Other names: c.899delC (NM_024675.3); short protein forms T300fs.
Identifiers: ClinVar variation 530040 (VCV000530040.9), dbSNP rs1555461558, ClinGen allele CA658798559.